The following is an entry in ClinVar:

ClinVar aggregate classification (germline): Uncertain significance (1 of 4 stars; one submission).

Conditions:
Developmental and epileptic encephalopathy. Identifiers: MedGen C5779964, MONDO:0100620.

Allele frequency attached by ClinVar (database versions not stated): TOPMed 0.00002; ESP Exome Variant Server 0.00008.

Submission:

Labcorp Genetics (formerly Invitae), Labcorp
Classification: Uncertain significance for Early-infantile DEE. Last evaluated: 2021-09-02. Review status: criteria provided, single submitter. Criteria: Invitae Variant Classification Sherloc (09022015). Collection method: clinical testing. Allele origin: germline.
Comment: This sequence change replaces histidine with glutamine at codon 72 of the CACNA2D2 protein (p.His72Gln). The histidine residue is weakly conserved and there is a small physicochemical difference between histidine and glutamine. This variant is not present in population databases (ExAC no frequency). This variant has not been reported in the literature in individuals affected with CACNA2D2-related conditions. Algorithms developed to predict the effect of missense changes on protein structure and function are either unavailable or do not agree on the potential impact of this missense change (SIFT: "Tolerated"; PolyPhen-2: "Possibly Damaging"; Align-GVGD: "Class C0"). In summary, the available evidence is currently insufficient to determine the role of this variant in disease. Therefore, it has been classified as a Variant of Uncertain Significance.

NM_006030.4(CACNA2D2):c.216C>A (p.His72Gln)

Gene: CACNA2D2 (calcium voltage-gated channel auxiliary subunit alpha2delta 2; minus strand). Cytogenetic location: 3p21.31.
Variant type: single nucleotide variant.
Coding change: c.216C>A on transcript NM_006030.4 (MANE Select); coding-DNA position 216, C replaced by A.
Protein change: p.His72Gln; replaces histidine 72 with glutamine.
Molecular consequence: missense variant.
Genome position (GRCh38, 1-based): chr3:50,476,190, G>T on the plus strand (C>A on the coding strand, the complement: CACNA2D2 is on the minus strand). VCF-style: chr3-50476190-G-T. GRCh37 (hg19) VCF-style: chr3-50513621-G-T.
Other names: c.216C>A, p.His72Gln (NM_001005505.3, NM_001174051.3); c.9C>A, p.His3Gln (NM_001291101.1); short protein forms H72Q, H3Q.
Identifiers: ClinVar variation 646451 (VCV000646451.4), dbSNP rs375655663, ClinGen allele CA74496606.